The following is an entry in ClinVar:

NM_000257.4(MYH7):c.5333A>C (p.His1778Pro)

Gene: MYH7 (myosin heavy chain 7; minus strand). Cytogenetic location: 14q11.2.
Variant type: single nucleotide variant.
Coding change: c.5333A>C on transcript NM_000257.4 (MANE Select); coding-DNA position 5333, A replaced by C.
Protein change: p.His1778Pro; replaces histidine 1778 with proline.
Molecular consequence: missense variant.
Genome position (GRCh38, 1-based): chr14:23,415,221, T>G on the plus strand (A>C on the coding strand, the complement: MYH7 is on the minus strand). VCF-style: chr14-23415221-T-G. GRCh37 (hg19) VCF-style: chr14-23884430-T-G.
Other names: short protein forms H1778P.
Identifiers: ClinVar variation 931946 (VCV000931946.3), dbSNP rs1892139406, ClinGen allele CA389035797.

ClinVar aggregate classification (germline): Uncertain significance (1 of 4 stars; one submission).

Conditions:
Congenital myopathy with fiber type disproportion. Also called: Congenital fiber-type disproportion myopathy; Congenital fiber-type disproportion. Identifiers: Orphanet 2020, MedGen C0546264, MONDO:0009711. Inheritance: all.

Allele frequency attached by ClinVar (database versions not stated): gnomAD exomes below 0.00001; TOPMed below 0.00001.
gnomAD v4.1: 1 of 1,614,214 alleles (0.000062%); highest among the groups gnomAD compares: Non-Finnish European, 0.000085%; no homozygotes.

Submission:

Centre for Mendelian Genomics, University Medical Centre Ljubljana
Classification: Uncertain significance for Congenital myopathy 4A, autosomal dominant. Last evaluated: 2016-01-01. Review status: criteria provided, single submitter. Criteria: ACMG Guidelines, 2015. Collection method: clinical testing. Allele origin: unknown. Affected: yes.
Comment: This variant was classified as: Uncertain significance. The following ACMG criteria were applied in classifying this variant: PM2,PP2,PP3.